The following is an entry in ClinVar:

NM_030665.4(RAI1):c.5470G>A (p.Val1824Met)

Gene: RAI1 (retinoic acid induced 1; plus strand). Cytogenetic location: 17p11.2.
Variant type: single nucleotide variant.
Coding change: c.5470G>A on transcript NM_030665.4 (MANE Select); coding-DNA position 5470, G replaced by A.
Protein change: p.Val1824Met; replaces valine 1824 with methionine.
Molecular consequence: missense variant.
Genome position (GRCh38, 1-based): chr17:17,798,418, G>A. VCF-style: chr17-17798418-G-A. GRCh37 (hg19) VCF-style: chr17-17701732-G-A.
Other names: short protein forms V1824M.
Identifiers: ClinVar variation 2629067 (VCV002629067.4), dbSNP rs778040446, ClinGen allele CA8419166.

ClinVar aggregate classification (germline): Conflicting classifications of pathogenicity. Review status: criteria provided, conflicting classifications (1 of 4 stars). 2 submissions from 2 submitters: Uncertain significance (1); Likely benign (1). Last evaluated 2026-07-31.

Conditions:
RAI1-related disorder. Also called: RAI1-related condition.

Allele frequency attached by ClinVar (database versions not stated): gnomAD 0.00001; TOPMed 0.00001.

Submissions (2):

PreventionGenetics, part of Exact Sciences
Classification: Likely benign for RAI1-related condition. Last evaluated: 2026-07-31. Review status: criteria provided, single submitter. Criteria: ACMG Guidelines, 2015. Collection method: clinical testing. Allele origin: germline.
Comment: This variant is classified as likely benign based on ACMG/AMP sequence variant interpretation guidelines (Richards et al. 2015 PMID: 25741868, with internal and published modifications).

Labcorp Genetics (formerly Invitae), Labcorp
Classification: Uncertain significance. Last evaluated: 2026-01-26. Review status: criteria provided, single submitter. Criteria: Invitae Variant Classification Sherloc (09022015). Collection method: clinical testing. Allele origin: germline.
Comment: This sequence change replaces valine, which is neutral and non-polar, with methionine, which is neutral and non-polar, at codon 1824 of the RAI1 protein (p.Val1824Met). This variant is present in population databases (rs778040446, gnomAD 0.004%). This variant has not been reported in the literature in individuals affected with RAI1-related conditions. ClinVar contains an entry for this variant (Variation ID: 2629067). Invitae Evidence Modeling of protein sequence and biophysical properties (such as structural, functional, and spatial information, amino acid conservation, physicochemical variation, residue mobility, and thermodynamic stability) indicates that this missense variant is not expected to disrupt RAI1 protein function with a negative predictive value of 80%. In summary, the available evidence is currently insufficient to determine the role of this variant in disease. Therefore, it has been classified as a Variant of Uncertain Significance.